The following is an entry in ClinVar:

NM_001042492.3(NF1):c.8114-1G>A

Gene: NF1 (neurofibromin 1; plus strand). Cytogenetic location: 17q11.2.
Variant type: single nucleotide variant.
Coding change: c.8114-1G>A on transcript NM_001042492.3 (MANE Select); the canonical splice acceptor site of the intron before coding-DNA position 8114, G replaced by A.
Molecular consequence: splice acceptor variant.
Genome position (GRCh38, 1-based): chr17:31,358,968, G>A. VCF-style: chr17-31358968-G-A. GRCh37 (hg19) VCF-style: chr17-29685986-G-A.
Other names: c.8051-1G>A (NM_000267.4).
Identifiers: ClinVar variation 1418854 (VCV001418854.9), dbSNP rs1597868727, ClinGen allele CA399204076.

ClinVar aggregate classification (germline): Pathogenic. Review status: criteria provided, multiple submitters, no conflicts (2 of 4 stars). 2 submissions from 2 submitters: Pathogenic (2). Last evaluated 2024-12-20.

Conditions:
Neurofibromatosis, type 1 (NF1). Also called: Peripheral type neurofibromatosis; Neurofibromatosis, type I; VON RECKLINGHAUSEN DISEASE; NEUROFIBROMATOSIS, TYPE I, SOMATIC. Identifiers: Orphanet 636, MedGen C0027831, MONDO:0018975, OMIM 162200. Disease mechanism: loss of function.

Submissions (2):

3billion
Classification: Pathogenic for Neurofibromatosis, type 1. Last evaluated: 2024-12-20. Review status: criteria provided, single submitter. Criteria: ACMG Guidelines, 2015. Collection method: clinical testing. Allele origin: germline. Affected: yes.
Comment: The variant is not observed in the gnomAD v4.1.0 dataset. Predicted Consequence/Location: Canonical splice site: predicted to alter splicing and result in a loss or disruption of normal protein function. Multiple pathogenic loss-of-function variants are reported downstream of the variant. The variant has been reported to be associated with NF1-related disorder (ClinVar ID: VCV001418854). Therefore, this variant is classified as Pathogenic according to the recommendation of ACMG/AMP guideline.

Labcorp Genetics (formerly Invitae), Labcorp
Classification: Pathogenic for Neurofibromatosis, type 1. Last evaluated: 2021-12-17. Review status: criteria provided, single submitter. Criteria: Invitae Variant Classification Sherloc (09022015). Collection method: clinical testing. Allele origin: germline.
Comment: For these reasons, this variant has been classified as Pathogenic. Studies have shown that disruption of this splice site results in skipping of exon 55 and introduces a premature termination codon (Invitae). The resulting mRNA is expected to undergo nonsense-mediated decay. Disruption of this splice site has been observed in individual(s) with neurofibromatosis type 1 (PMID: 31370276). This variant is not present in population databases (gnomAD no frequency). This sequence change affects an acceptor splice site in intron 54 of the NF1 gene. RNA analysis indicates that disruption of this splice site induces altered splicing and may result in an absent or disrupted protein product.

Literature cited by the submitters: PubMed 31370276 (cited by Labcorp Genetics (formerly Invitae), Labcorp).